The following is an entry in ClinVar:

NM_001942.4(DSG1):c.2156T>G (p.Leu719Arg)

Genes: DSG1 (desmoglein 1; plus strand), DSG1-AS1 (DSG1 antisense RNA 1; minus strand), LOC126862720 (MED14-independent group 3 enhancer GRCh37_chr18:28933613-28934812; plus strand). Cytogenetic location: 18q12.1.
Variant type: single nucleotide variant.
Coding change: c.2156T>G on transcript NM_001942.4 (MANE Select); coding-DNA position 2156, T replaced by G.
Protein change: p.Leu719Arg; replaces leucine 719 with arginine.
Molecular consequence: missense variant. On other transcripts: non-coding transcript variant (1).
Genome position (GRCh38, 1-based): chr18:31,354,352, T>G. VCF-style: chr18-31354352-T-G. GRCh37 (hg19) VCF-style: chr18-28934315-T-G.
Other names: c.2156T>G (NM_001942.2); short protein forms L719R.
Identifiers: ClinVar variation 1412781 (VCV001412781.7), dbSNP rs774505564, ClinGen allele CA8926298.

ClinVar aggregate classification (germline): Uncertain significance. Review status: criteria provided, multiple submitters, no conflicts (2 of 4 stars). 2 submissions from 2 submitters: Uncertain significance (2). Last evaluated 2024-12-02.

Conditions:
Inborn genetic diseases. Identifiers: MedGen C0950123, MeSH D030342.

Allele frequency attached by ClinVar (database versions not stated): gnomAD exomes 0.00001 and 0.00002; ExAC 0.00002; TOPMed 0.00002.
gnomAD v4.1: 6 of 1,614,230 alleles (0.00037%); highest among the groups gnomAD compares: Admixed American, 0.01%; no homozygotes.

Submissions (2):

Labcorp Genetics (formerly Invitae), Labcorp
Classification: Uncertain significance. Last evaluated: 2024-12-02. Review status: criteria provided, single submitter. Criteria: Invitae Variant Classification Sherloc (09022015). Collection method: clinical testing. Allele origin: germline.
Comment: This sequence change replaces leucine, which is neutral and non-polar, with arginine, which is basic and polar, at codon 719 of the DSG1 protein (p.Leu719Arg). This variant is present in population databases (rs774505564, gnomAD 0.02%). This variant has not been reported in the literature in individuals affected with DSG1-related conditions. ClinVar contains an entry for this variant (Variation ID: 1412781). Invitae Evidence Modeling of protein sequence and biophysical properties (such as structural, functional, and spatial information, amino acid conservation, physicochemical variation, residue mobility, and thermodynamic stability) indicates that this missense variant is not expected to disrupt DSG1 protein function with a negative predictive value of 80%. In summary, the available evidence is currently insufficient to determine the role of this variant in disease. Therefore, it has been classified as a Variant of Uncertain Significance.

Ambry Genetics
Classification: Uncertain significance for Inborn genetic diseases. Last evaluated: 2022-05-04. Review status: criteria provided, single submitter. Criteria: Ambry Variant Classification Scheme 2023. Collection method: clinical testing. Allele origin: germline.